The following is an entry in ClinVar:

NM_032634.4(PIGO):c.1277C>A (p.Ala426Asp)

Gene: PIGO (phosphatidylinositol glycan anchor biosynthesis class O; minus strand). Cytogenetic location: 9p13.3.
Variant type: single nucleotide variant.
Coding change: c.1277C>A on transcript NM_032634.4 (MANE Select); coding-DNA position 1277, C replaced by A.
Protein change: p.Ala426Asp; replaces alanine 426 with aspartic acid.
Molecular consequence: missense variant.
Genome position (GRCh38, 1-based): chr9:35,092,610, G>T on the plus strand (C>A on the coding strand, the complement: PIGO is on the minus strand). VCF-style: chr9-35092610-G-T. GRCh37 (hg19) VCF-style: chr9-35092607-G-T.
Other names: c.1277C>A, p.Ala426Asp (NM_001201484.2, NM_152850.4); short protein forms A426D.
Identifiers: ClinVar variation 366759 (VCV000366759.15), dbSNP rs147098410, ClinGen allele CA5040674.

ClinVar aggregate classification (germline): Conflicting classifications of pathogenicity. Review status: criteria provided, conflicting classifications (1 of 4 stars). 4 submissions from 4 submitters: Uncertain significance (3); Likely benign (1). Last evaluated 2025-12-28.

Conditions:
Hyperphosphatasia with impaired intellectual development syndrome 2. Also called: Hyperphosphatasia with intellectual disability syndrome 2; GLYCOSYLPHOSPHATIDYLINOSITOL BIOSYNTHESIS DEFECT 6. Identifiers: Orphanet 247262, MedGen C3553637, MONDO:0013882, OMIM 614749.

Allele frequency attached by ClinVar (database versions not stated): 1000 Genomes Project 0.00060; gnomAD 0.00037 and 0.00040; 1000 Genomes Project 30x 0.00047; ESP Exome Variant Server 0.00062; gnomAD exomes 0.00010; ExAC 0.00012; TOPMed 0.00040.
gnomAD v4.1: 89 of 1,614,270 alleles (0.0055%); highest among the groups gnomAD compares: African/African-American, 0.11%; no homozygotes.

Submissions (4):

Labcorp Genetics (formerly Invitae), Labcorp
Classification: Likely benign for Hyperphosphatasia with impaired intellectual development syndrome 2. Last evaluated: 2025-12-28. Review status: criteria provided, single submitter. Criteria: Invitae Variant Classification Sherloc (09022015). Collection method: clinical testing. Allele origin: germline.

New York Genome Center
Classification: Uncertain significance for Hyperphosphatasia with impaired intellectual development syndrome 2. Last evaluated: 2020-04-29. Review status: criteria provided, single submitter. Criteria: NYGC Assertion Criteria 2020. Collection method: clinical testing. Allele origin: germline. Observed: 1 heterozygote. Study: CSER-NYCKidSeq.

GeneDx
Classification: Uncertain significance. Last evaluated: 2018-10-24. Review status: criteria provided, single submitter. Criteria: GeneDx Variant Classification (06012015). Collection method: clinical testing. Allele origin: germline. Affected: yes.
Comment: A variant of uncertain significance has been identified in the PIGO gene. The A426D variant has not been published as a pathogenic variant, nor has it been reported as a benign variant to our knowledge. The A426D variant is observed in 13/10,240 (0.1%) alleles from individuals of African background (Lek et al., 2016; 1000 Genomes Consortium et al., 2015; Exome Variant Server). The A426D variant is a non-conservative amino acid substitution, which is likely to impact secondary protein structure as these residues differ in polarity, charge, size and/or other properties. However, this substitution occurs at a position that is not conserved. In silico analysis is inconsistent in its predictions as to whether or not the variant is damaging to the protein structure/function. Therefore, based on the currently available information, it is unclear whether this variant is a pathogenic variant or a rare benign variant.

Illumina Laboratory Services, Illumina
Classification: Uncertain significance for Hyperphosphatasia with impaired intellectual development syndrome 2. Last evaluated: 2018-01-12. Review status: criteria provided, single submitter. Criteria: ICSL Variant Classification Criteria 13 December 2019. Collection method: clinical testing. Allele origin: germline.